The following is an entry in ClinVar:

ClinVar aggregate classification (germline): Conflicting classifications of pathogenicity. Review status: criteria provided, conflicting classifications (1 of 4 stars). 2 submissions from 2 submitters: Uncertain significance (1); Likely benign (1). Last evaluated 2023-03-23.

Conditions:
Hereditary breast ovarian cancer syndrome. Also called: Breast and ovarian cancer; Hereditary breast and ovarian cancer syndrome; Hereditary breast and ovarian cancer syndrome (HBOC); BRCA1- and BRCA2-Associated Hereditary Breast and Ovarian Cancer; Hereditary breast and ovarian cancer; Hereditary breast and/or ovarian cancer syndrome. Identifiers: Orphanet 145, MedGen C0677776, MeSH D061325, MONDO:0003582. Disease mechanism: loss of function.
Hereditary cancer-predisposing syndrome. Also called: Hereditary Cancer Syndrome; Hereditary neoplastic syndrome; Tumor predisposition; Neoplastic Syndromes, Hereditary. Identifiers: Orphanet 140162, MedGen C0027672, MeSH D009386, MONDO:0015356.

Submissions (2):

University of Washington Department of Laboratory Medicine, University of Washington
Classification: Likely benign for Hereditary cancer-predisposing syndrome. Last evaluated: 2023-03-23. Review status: criteria provided, single submitter. Criteria: Dines et al. (Genet Med. 2020). Collection method: curation. Allele origin: germline.
Comment: Missense variant in a coldspot region where missense variants are very unlikely to be pathogenic (PMID:31911673).

BRCA1 coldspot (exon 11 using historical exon numbering). Reclassification based on statistical prior probability

Labcorp Genetics (formerly Invitae), Labcorp
Classification: Uncertain significance for Hereditary breast ovarian cancer syndrome. Last evaluated: 2019-12-24. Review status: criteria provided, single submitter. Criteria: Invitae Variant Classification Sherloc (09022015). Collection method: clinical testing. Allele origin: germline.
Comment: This variant has not been reported in the literature in individuals with BRCA1-related conditions. This variant is not present in population databases (ExAC no frequency). This sequence change replaces asparagine with histidine at codon 383 of the BRCA1 protein (p.Asn383His). The asparagine residue is highly conserved and there is a small physicochemical difference between asparagine and histidine. In summary, the available evidence is currently insufficient to determine the role of this variant in disease. Therefore, it has been classified as a Variant of Uncertain Significance. Algorithms developed to predict the effect of missense changes on protein structure and function are either unavailable or do not agree on the potential impact of this missense change (SIFT: "Tolerated"; PolyPhen-2: "Probably Damaging"; Align-GVGD: "Class C0").

NM_007294.4(BRCA1):c.1147A>C (p.Asn383His)

Gene: BRCA1 (BRCA1 DNA repair associated; minus strand). Cytogenetic location: 17q21.31.
Variant type: single nucleotide variant.
Coding change: c.1147A>C on transcript NM_007294.4 (MANE Select); coding-DNA position 1147, A replaced by C.
Protein change: p.Asn383His; replaces asparagine 383 with histidine.
Molecular consequence: missense variant. On other transcripts: intron variant (137).
Genome position (GRCh38, 1-based): chr17:43,094,384, T>G on the plus strand (A>C on the coding strand, the complement: BRCA1 is on the minus strand). VCF-style: chr17-43094384-T-G. GRCh37 (hg19) VCF-style: chr17-41246401-T-G.
Other names: c.661+360A>C (NM_001408448.1, NM_001408445.1, NM_001408432.1 and 6 more transcripts); c.667+1462A>C (NM_001408421.1, NM_001408431.1, NM_001408424.1); c.784+360A>C (NM_001407991.1, NM_001408407.1, NM_001408402.1 and 13 more transcripts); c.664+360A>C (NM_001408427.1, NM_001408425.1, NM_001408443.1 and 12 more transcripts); c.523+360A>C (NM_001408496.1, NM_001408499.1, NM_001408498.1 and 3 more transcripts); c.646+360A>C (NM_001408460.1, NM_001408454.1, NM_001408456.1 and 11 more transcripts); c.706+360A>C (NM_001408413.1, NM_001408416.1); c.586+360A>C (NM_001408476.1, NM_001408474.1); and 40 more; short protein forms N383H, N336H, N255H, N271H, N315H, N335H, N342H, N87H.
Identifiers: ClinVar variation 842598 (VCV000842598.21), dbSNP rs2053985160, ClinGen allele CA10599764.